The following is an entry in ClinVar:

ClinVar aggregate classification (germline): Benign. Review status: criteria provided, multiple submitters, no conflicts (2 of 4 stars). 16 submissions from 14 submitters: Benign (14). 2 of the submissions do not count toward it. Last evaluated 2026-02-04.

Conditions:
SDHA-related disorder. Also called: SDHA-related disorders; SDHA-related condition.
Mitochondrial complex II deficiency, nuclear type 1. Also called: SUCCINATE CoQ REDUCTASE DEFICIENCY. Identifiers: Orphanet 3208, MedGen C5700310, MONDO:0100294, OMIM 252011.
Pheochromocytoma/paraganglioma syndrome 5. Also called: SDHA-Related Hereditary Paraganglioma-Pheochromocytoma Syndrome; Paragangliomas 5. Identifiers: Orphanet 29072, MedGen C3279992, MONDO:0013602, OMIM 614165.
Hereditary cancer-predisposing syndrome. Also called: Tumor predisposition; Hereditary neoplastic syndrome; Neoplastic Syndromes, Hereditary; Hereditary Cancer Syndrome. Identifiers: Orphanet 140162, MedGen C0027672, MeSH D009386, MONDO:0015356.
Hereditary pheochromocytoma and paraganglioma. Also called: Hereditary Paraganglioma-Pheochromocytoma Syndromes; Hereditary paragangliomas and pheochromocytomas; Hereditary pheochromocytoma-paraganglioma. Identifiers: Orphanet 29072, MedGen C4274332, MONDO:0017366.
Leigh syndrome (NULS). Also called: Leigh Disease; Subacute necrotizing encephalopathy; Necrotizing encephalopathy infantile subacute of Leigh; Leigh's necrotizing encephalopathy; Leigh's disease; Leigh Syndrome (mtDNA deletion). Identifiers: Orphanet 506, MedGen C2931891, MONDO:0009723, OMIM 256000.

Allele frequency attached by ClinVar (database versions not stated): gnomAD exomes 0.12259 and 0.13136; ExAC 0.12979; gnomAD 0.17489 and 0.18133; 1000 Genomes Project 0.17532; 1000 Genomes Project 30x 0.18520; ESP Exome Variant Server 0.19645; TOPMed 0.19649.

Submissions (16):

Labcorp Genetics (formerly Invitae), Labcorp
Classification: Benign for Pheochromocytoma/paraganglioma syndrome 5; Mitochondrial complex II deficiency, nuclear type 1. Last evaluated: 2026-02-04. Review status: criteria provided, single submitter. Criteria: Invitae Variant Classification Sherloc (09022015). Collection method: clinical testing. Allele origin: germline.

Myriad Genetics, Inc.
Classification: Benign for Pheochromocytoma/paraganglioma syndrome 5. Last evaluated: 2025-03-11. Review status: criteria provided, single submitter. Criteria: Myriad Autosomal Dominant, Autosomal Recessive and X-Linked Classification Criteria (2023). Collection method: clinical testing. Allele origin: unknown.
Comment: This variant is considered benign. This variant has been observed at a population frequency that is significantly greater than expected given the associated disease prevalence and penetrance.

Hereditary Cancer Laboratory, Hospital Universitario 12 de Octubre
Classification: Benign for Hereditary cancer-predisposing syndrome. Last evaluated: 2025-01-08. Review status: criteria provided, single submitter. Criteria: ACMG Guidelines, 2015. Collection method: clinical testing. Allele origin: germline.
Comment: BA1+BP6

Blueprint Genetics
Classification: Benign. Last evaluated: 2024-11-26. Review status: criteria provided, single submitter. Criteria: ACMG Guidelines, 2015. Collection method: clinical testing. Allele origin: germline.

KCCC/NGS Laboratory, Kuwait Cancer Control Center
Classification: Benign for Pheochromocytoma/paraganglioma syndrome 5. Last evaluated: 2023-07-07. Review status: criteria provided, single submitter. Criteria: ACMG Guidelines, 2015. Collection method: clinical testing. Allele origin: germline. Affected: yes.

Mayo Clinic Laboratories, Mayo Clinic
Classification: Benign. Last evaluated: 2022-05-01. Review status: criteria provided, single submitter. Criteria: ACMG Guidelines, 2015. Collection method: clinical testing. Allele origin: germline. Observed: 452 variant alleles.

ARUP Laboratories, Molecular Genetics and Genomics, ARUP Laboratories
Classification: Benign. Last evaluated: 2020-01-03. Review status: criteria provided, single submitter. Criteria: ARUP Molecular Germline Variant Investigation Process. Collection method: clinical testing. Allele origin: germline.

Mendelics
Classification: Benign for Mitochondrial complex II deficiency, nuclear type 1. Last evaluated: 2019-05-28. Review status: criteria provided, single submitter. Criteria: Mendelics Assertion Criteria 2017. Collection method: clinical testing. Allele origin: unknown.

Illumina Laboratory Services, Illumina
Classification: Benign for Leigh syndrome. Last evaluated: 2018-01-13. Review status: criteria provided, single submitter. Criteria: ICSL Variant Classification Criteria 13 December 2019. Collection method: clinical testing. Allele origin: germline.
Comment: This variant was observed in the ICSL laboratory as part of a predisposition screen in an ostensibly healthy population. It had not been previously curated by ICSL or reported in the Human Gene Mutation Database (HGMD: prior to June 1st, 2018), and was therefore a candidate for classification through an automated scoring system. Utilizing variant allele frequency, disease prevalence and penetrance estimates, and inheritance mode, an automated score was calculated to assess if this variant is too frequent to cause the disease. Based on the score and internal cut-off values, a variant classified as benign is not then subjected to further curation. The score for this variant resulted in a classification of benign for this disease.

Illumina Laboratory Services, Illumina
Classification: Benign for Hereditary Paraganglioma-Pheochromocytoma Syndromes. Last evaluated: 2018-01-13. Review status: criteria provided, single submitter. Criteria: ICSL Variant Classification Criteria 13 December 2019. Collection method: clinical testing. Allele origin: germline.
Comment: the same text as in the submission from Illumina Laboratory Services, Illumina above.

Illumina Laboratory Services, Illumina
Classification: Benign for Mitochondrial complex II deficiency, nuclear type 1. Last evaluated: 2018-01-13. Review status: criteria provided, single submitter. Criteria: ICSL Variant Classification Criteria 13 December 2019. Collection method: clinical testing. Allele origin: germline.
Comment: the same text as in the submission from Illumina Laboratory Services, Illumina above.

GeneDx
Classification: Benign. Last evaluated: 2015-03-03. Review status: criteria provided, single submitter. Criteria: GeneDx Variant Classification Process June 2021. Collection method: clinical testing. Allele origin: germline. Affected: yes.

Ambry Genetics
Classification: Benign for Hereditary cancer-predisposing syndrome. Last evaluated: 2014-11-18. Review status: criteria provided, single submitter. Criteria: Ambry Variant Classification Scheme 2023. Collection method: clinical testing. Allele origin: germline.

Breakthrough Genomics
Classification: Benign. Review status: criteria provided, single submitter. Criteria: ACMG Guidelines, 2015. Collection method: not provided. Allele origin: germline. Inheritance: Autosomal recessive inheritance. Affected: yes.

PreventionGenetics, part of Exact Sciences
Classification: Benign for SDHA-related condition. Last evaluated: 2022-06-02. Review status: no assertion criteria provided. Collection method: clinical testing. Allele origin: germline. Not counted in ClinVar's aggregate classification.
Comment: This variant is classified as benign based on ACMG/AMP sequence variant interpretation guidelines (Richards et al. 2015 PMID: 25741868, with internal and published modifications).

Genetic Services Laboratory, University of Chicago
Classification: Likely benign for AllHighlyPenetrant. Review status: no assertion criteria provided. Collection method: clinical testing. Allele origin: germline. Not counted in ClinVar's aggregate classification.
Comment: Likely benign based on allele frequency in 1000 Genomes Project or ESP global frequency and its presence in a patient with a rare or unrelated disease phenotype. NOT Sanger confirmed.

NM_004168.4(SDHA):c.1969G>A (p.Val657Ile)

Gene: SDHA (succinate dehydrogenase complex flavoprotein subunit A; plus strand). Cytogenetic location: 5p15.33.
Variant type: single nucleotide variant.
Coding change: c.1969G>A on transcript NM_004168.4 (MANE Select); coding-DNA position 1969, G replaced by A.
Protein change: p.Val657Ile; replaces valine 657 with isoleucine.
Molecular consequence: missense variant.
Genome position (GRCh38, 1-based): chr5:256,394, G>A. VCF-style: chr5-256394-G-A. GRCh37 (hg19) VCF-style: chr5-256509-G-A.
Other names: c.1825G>A, p.Val609Ile (NM_001294332.2); c.1726G>A, p.Val576Ile (NM_001330758.2); short protein forms V657I, V576I, V609I.
Identifiers: ClinVar variation 130279 (VCV000130279.39), dbSNP rs6962, ClinGen allele CA155152.